The following is an entry in ClinVar:

NM_007074.4(CORO1A):c.347T>C (p.Leu116Pro)

Gene: CORO1A (coronin 1A; plus strand). Cytogenetic location: 16p11.2.
Variant type: single nucleotide variant.
Coding change: c.347T>C on transcript NM_007074.4 (MANE Select); coding-DNA position 347, T replaced by C.
Protein change: p.Leu116Pro; replaces leucine 116 with proline.
Molecular consequence: missense variant.
Genome position (GRCh38, 1-based): chr16:30,186,841, T>C. VCF-style: chr16-30186841-T-C. GRCh37 (hg19) VCF-style: chr16-30198162-T-C.
Other names: p.Leu116Pro; c.347T>C, p.Leu116Pro (NM_001193333.3); short protein forms L116P.
Identifiers: ClinVar variation 651063 (VCV000651063.9), dbSNP rs566260573, ClinGen allele CA8003101.
Genomic context (GRCh38, chr16:30,186,841, plus strand): 5'-GGAGTCCTGAAGACTCACTGGCCCCTCCTCTGCAGGTGTGGGAGATCCCAGATGGGGGCC[T>C]GATGCTGCCCCTGCGGGAGCCCGTCGTCACCCTGGAGGGCCACACCAAGCGTGTGGGCAT-3'
Protein context (NP_009005.1, residues 106-126): VMVWEIPDGG[Leu116Pro]MLPLREPVVT

ClinVar aggregate classification (germline): Uncertain significance. Review status: criteria provided, multiple submitters, no conflicts (2 of 4 stars). 4 submissions from 4 submitters: Uncertain significance (4). Last evaluated 2025-08-08.

Conditions:
Severe combined immunodeficiency due to CORO1A deficiency. Also called: Immunodeficiency 8; IMMUNODEFICIENCY 8 WITH LYMPHOPROLIFERATION. Identifiers: Orphanet 228003, MedGen C3809383, MONDO:0014168, OMIM 615401.

Allele frequency attached by ClinVar (database versions not stated): gnomAD exomes 0.00012 and 0.00020; TOPMed 0.00016; gnomAD 0.00017 and 0.00019; ExAC 0.00018.
gnomAD v4.1: 210 of 1,611,242 alleles (0.013%); highest among the groups gnomAD compares: Admixed American, 0.068%; no homozygotes.

Submissions (4):

Mayo Clinic Laboratories, Mayo Clinic
Classification: Uncertain significance. Last evaluated: 2025-08-08. Review status: criteria provided, single submitter. Criteria: ACMG Guidelines, 2015. Collection method: clinical testing. Allele origin: germline. Observed: 1 variant allele.
Comment: BS1

Labcorp Genetics (formerly Invitae), Labcorp
Classification: Uncertain significance for Severe combined immunodeficiency due to CORO1A deficiency. Last evaluated: 2022-09-13. Review status: criteria provided, single submitter. Criteria: Invitae Variant Classification Sherloc (09022015). Collection method: clinical testing. Allele origin: germline.
Comment: This sequence change replaces leucine, which is neutral and non-polar, with proline, which is neutral and non-polar, at codon 116 of the CORO1A protein (p.Leu116Pro). This variant is present in population databases (rs566260573, gnomAD 0.07%). This variant has not been reported in the literature in individuals affected with CORO1A-related conditions. ClinVar contains an entry for this variant (Variation ID: 651063). Advanced modeling of protein sequence and biophysical properties (such as structural, functional, and spatial information, amino acid conservation, physicochemical variation, residue mobility, and thermodynamic stability) performed at Invitae indicates that this missense variant is not expected to disrupt CORO1A protein function. In summary, the available evidence is currently insufficient to determine the role of this variant in disease. Therefore, it has been classified as a Variant of Uncertain Significance.

Blueprint Genetics
Classification: Uncertain significance. Last evaluated: 2022-09-08. Review status: criteria provided, single submitter. Criteria: ACMG Guidelines, 2015. Collection method: clinical testing. Allele origin: germline.

Fulgent Genetics
Classification: Uncertain significance for Severe combined immunodeficiency due to CORO1A deficiency. Last evaluated: 2022-05-13. Review status: criteria provided, single submitter. Criteria: ACMG Guidelines, 2015. Collection method: clinical testing. Allele origin: unknown.